The following is an entry in ClinVar:

NM_001184.4(ATR):c.459del (p.Phe153fs)

Gene: ATR (ATR checkpoint kinase; minus strand). Cytogenetic location: 3q23.
Variant type: Deletion.
Coding change: c.459del on transcript NM_001184.4 (MANE Select); coding-DNA position 459, one base deleted (T; older notation c.459delT).
Protein change: p.Phe153fs; shifts the reading frame from phenylalanine 153.
Molecular consequence: frameshift variant.
Genome position (GRCh38, 1-based): chr3:142,562,943, A deleted on the plus strand (T on the coding strand, the reverse complement: ATR is on the minus strand); the first of 5 consecutive A bases (chr3:142,562,943-142,562,947); deleting any one gives the same sequence. VCF-style (leftmost placement, unchanged base first): chr3-142562942-CA-C. GRCh37 (hg19) VCF-style: chr3-142281784-CA-C.
Other names: c.459del, p.Phe153fs (NM_001354579.2); short protein forms F153fs.
Identifiers: ClinVar variation 3661041 (VCV003661041.2).

ClinVar aggregate classification (germline): Pathogenic (1 of 4 stars; one submission).

Submission:

Labcorp Genetics (formerly Invitae), Labcorp
Classification: Pathogenic. Last evaluated: 2024-07-31. Review status: criteria provided, single submitter. Criteria: Invitae Variant Classification Sherloc (09022015). Collection method: clinical testing. Allele origin: germline.
Comment: This sequence change creates a premature translational stop signal (p.Phe153Leufs*12) in the ATR gene. It is expected to result in an absent or disrupted protein product. Loss-of-function variants in ATR are known to be pathogenic (PMID: 21228398, 23144622). This variant is not present in population databases (gnomAD no frequency). This variant has not been reported in the literature in individuals affected with ATR-related conditions. For these reasons, this variant has been classified as Pathogenic.

Literature cited by the submitters: PubMed 21228398; PubMed 23144622.